The following is an entry in ClinVar:

NM_001374353.1(GLI2):c.8C>T (p.Thr3Met)

Gene: GLI2 (GLI family zinc finger 2; plus strand). Cytogenetic location: 2q14.2.
Variant type: single nucleotide variant.
Coding change: c.8C>T on transcript NM_001374353.1 (MANE Select); coding-DNA position 8, C replaced by T.
Protein change: p.Thr3Met; replaces threonine 3 with methionine.
Molecular consequence: missense variant. On other transcripts: 5 prime UTR variant (1).
Genome position (GRCh38, 1-based): chr2:120,797,328, C>T. VCF-style: chr2-120797328-C-T. GRCh37 (hg19) VCF-style: chr2-121554904-C-T.
Other names: c.8C>T, p.Thr3Met (NM_001371271.1, NM_005270.5); c.-262C>T (NM_001374354.1); c.8C>T (NM_005270.4); short protein forms T3M.
Identifiers: ClinVar variation 1354011 (VCV001354011.9), dbSNP rs770918439, ClinGen allele CA1851374.

ClinVar aggregate classification (germline): Uncertain significance. Review status: criteria provided, multiple submitters, no conflicts (2 of 4 stars). 2 submissions from 2 submitters: Uncertain significance (2). Last evaluated 2025-10-20.

Conditions:
Inborn genetic diseases. Identifiers: MedGen C0950123, MeSH D030342.
Postaxial polydactyly-anterior pituitary anomalies-facial dysmorphism syndrome. Also called: Culler-Jones syndrome. Identifiers: Orphanet 420584, MedGen C4014479, MONDO:0014369, OMIM 615849.
Holoprosencephaly 9 (HPE9). Also called: HOLOPROSENCEPHALY WITH MICROPHTHALMIA AND FIRST BRANCHIAL ARCH ANOMALIES; PITUITARY ANOMALIES WITH HOLOPROSENCEPHALY-LIKE FEATURES. Identifiers: Orphanet 2162, MedGen C1835819, MONDO:0012563, OMIM 610829.

Allele frequency attached by ClinVar (database versions not stated): ExAC 0.00002; gnomAD 0.00004 and 0.00005; gnomAD exomes 0.00003; TOPMed 0.00003.
gnomAD v4.1: 48 of 1,613,806 alleles (0.003%); highest among the groups gnomAD compares: Middle Eastern, 0.033%; no homozygotes.

Submissions (2):

Labcorp Genetics (formerly Invitae), Labcorp
Classification: Uncertain significance for Postaxial polydactyly-anterior pituitary anomalies-facial dysmorphism syndrome; Holoprosencephaly 9. Last evaluated: 2025-10-20. Review status: criteria provided, single submitter. Criteria: Invitae Variant Classification Sherloc (09022015). Collection method: clinical testing. Allele origin: germline.
Comment: This sequence change replaces threonine, which is neutral and polar, with methionine, which is neutral and non-polar, at codon 3 of the GLI2 protein (p.Thr3Met). This variant is present in population databases (rs770918439, gnomAD 0.01%). This variant has not been reported in the literature in individuals affected with GLI2-related conditions. ClinVar contains an entry for this variant (Variation ID: 1354011). An algorithm developed to predict the effect of missense changes on protein structure and function outputs the following: PolyPhen-2: "Benign". The methionine amino acid residue is found in multiple mammalian species, which suggests that this missense change does not adversely affect protein function. In summary, the available evidence is currently insufficient to determine the role of this variant in disease. Therefore, it has been classified as a Variant of Uncertain Significance.

Ambry Genetics
Classification: Uncertain significance for Inborn genetic diseases. Last evaluated: 2021-09-01. Review status: criteria provided, single submitter. Criteria: Ambry Variant Classification Scheme 2023. Collection method: clinical testing. Allele origin: germline.